The following is an entry in ClinVar:

NM_004006.3(DMD):c.1313G>C (p.Ser438Thr)

Gene: DMD (dystrophin; minus strand). Cytogenetic location: Xp21.1.
Variant type: single nucleotide variant.
Coding change: c.1313G>C on transcript NM_004006.3 (MANE Select); coding-DNA position 1313, G replaced by C.
Protein change: p.Ser438Thr; replaces serine 438 with threonine.
Molecular consequence: missense variant.
Genome position (GRCh38, 1-based): chrX:32,644,150, C>G on the plus strand (G>C on the coding strand, the complement: DMD is on the minus strand). VCF-style: chrX-32644150-C-G. GRCh37 (hg19) VCF-style: chrX-32662267-C-G.
Other names: c.1289G>C, p.Ser430Thr (NM_000109.4); c.1301G>C, p.Ser434Thr (NM_004009.3); c.944G>C, p.Ser315Thr (NM_004010.3); short protein forms S434T, S438T, S315T, S430T.
Identifiers: ClinVar variation 2085766 (VCV002085766.1), dbSNP rs769276658, ClinGen allele CA10379928.

ClinVar aggregate classification (germline): Uncertain significance (1 of 4 stars; one submission).

Conditions:
Duchenne muscular dystrophy (DMD). Also called: MUSCULAR DYSTROPHY, PSEUDOHYPERTROPHIC PROGRESSIVE, DUCHENNE TYPE; Duchenne Muscular Dystrophy (DMD). Identifiers: Orphanet 98896, MedGen C0013264, MONDO:0010679, OMIM 310200.

Allele frequency attached by ClinVar (database versions not stated): ExAC 0.00002.
gnomAD v4.1: 8 of 1,207,519 alleles (0.00066%); highest among the groups gnomAD compares: Non-Finnish European, 0.00078%; no homozygotes.

Submission:

Labcorp Genetics (formerly Invitae), Labcorp
Classification: Uncertain significance for Duchenne muscular dystrophy. Last evaluated: 2022-06-29. Review status: criteria provided, single submitter. Criteria: Invitae Variant Classification Sherloc (09022015). Collection method: clinical testing. Allele origin: germline.
Comment: This sequence change replaces serine, which is neutral and polar, with threonine, which is neutral and polar, at codon 438 of the DMD protein (p.Ser438Thr). This variant is present in population databases (rs769276658, gnomAD 0.003%). This variant has not been reported in the literature in individuals affected with DMD-related conditions. Algorithms developed to predict the effect of missense changes on protein structure and function are either unavailable or do not agree on the potential impact of this missense change (SIFT: "Tolerated"; PolyPhen-2: "Possibly Damaging"; Align-GVGD: "Class C0"). In summary, the available evidence is currently insufficient to determine the role of this variant in disease. Therefore, it has been classified as a Variant of Uncertain Significance.